The following is an entry in ClinVar:

ClinVar aggregate classification (germline): Uncertain significance. Review status: criteria provided, multiple submitters, no conflicts (2 of 4 stars). 2 submissions from 2 submitters: Uncertain significance (2). Last evaluated 2024-10-22.

Conditions:
Inborn genetic diseases. Identifiers: MedGen C0950123, MeSH D030342.
ALG9 congenital disorder of glycosylation (CDG1L). Also called: CONGENITAL DISORDER OF GLYCOSYLATION, TYPE Il; CDG Il; ALG9-CDG. Identifiers: Orphanet 79328, MedGen C2931006, MONDO:0012117, OMIM 608776.

Allele frequency attached by ClinVar (database versions not stated): gnomAD 0.00001; TOPMed 0.00001; ExAC 0.00002; gnomAD exomes 0.00004.
gnomAD v4.1: 55 of 1,613,994 alleles (0.0034%); highest among the groups gnomAD compares: South Asian, 0.02%; no homozygotes.

Submissions (2):

Labcorp Genetics (formerly Invitae), Labcorp
Classification: Uncertain significance for ALG9 congenital disorder of glycosylation. Last evaluated: 2024-10-22. Review status: criteria provided, single submitter. Criteria: Invitae Variant Classification Sherloc (09022015). Collection method: clinical testing. Allele origin: germline.
Comment: This sequence change replaces alanine, which is neutral and non-polar, with threonine, which is neutral and polar, at codon 817 of the ATP6V0A2 protein (p.Ala817Thr). This variant is present in population databases (rs201598201, gnomAD 0.006%). This variant has not been reported in the literature in individuals affected with ATP6V0A2-related conditions. ClinVar contains an entry for this variant (Variation ID: 2142994). Invitae Evidence Modeling of protein sequence and biophysical properties (such as structural, functional, and spatial information, amino acid conservation, physicochemical variation, residue mobility, and thermodynamic stability) indicates that this missense variant is not expected to disrupt ATP6V0A2 protein function with a negative predictive value of 80%. In summary, the available evidence is currently insufficient to determine the role of this variant in disease. Therefore, it has been classified as a Variant of Uncertain Significance.

Ambry Genetics
Classification: Uncertain significance for Inborn genetic diseases. Last evaluated: 2023-05-31. Review status: criteria provided, single submitter. Criteria: Ambry Variant Classification Scheme 2023. Collection method: clinical testing. Allele origin: germline.

NM_012463.4(ATP6V0A2):c.2449G>A (p.Ala817Thr)

Gene: ATP6V0A2 (ATPase H+ transporting V0 subunit a2; plus strand). Cytogenetic location: 12q24.31.
Variant type: single nucleotide variant.
Coding change: c.2449G>A on transcript NM_012463.4 (MANE Select); coding-DNA position 2449, G replaced by A.
Protein change: p.Ala817Thr; replaces alanine 817 with threonine.
Molecular consequence: missense variant.
Genome position (GRCh38, 1-based): chr12:123,756,970, G>A. VCF-style: chr12-123756970-G-A. GRCh37 (hg19) VCF-style: chr12-124241517-G-A.
Other names: c.2449G>A (NM_012463.3); short protein forms A817T.
Identifiers: ClinVar variation 2142994 (VCV002142994.4), dbSNP rs201598201, ClinGen allele CA6862242.